The following is an entry in ClinVar:

ClinVar aggregate classification (germline): Uncertain significance (1 of 4 stars; one submission).

Allele frequency attached by ClinVar (database versions not stated): ExAC 0.00003; gnomAD 0.00003; gnomAD exomes 0.00005.

Submission:

Labcorp Genetics (formerly Invitae), Labcorp
Classification: Uncertain significance. Last evaluated: 2024-07-01. Review status: criteria provided, single submitter. Criteria: Invitae Variant Classification Sherloc (09022015). Collection method: clinical testing. Allele origin: germline.
Comment: This variant, c.3374_3376dup, results in the insertion of 1 amino acid(s) of the AUTS2 protein (p.Ser1125_His1126insArg), but otherwise preserves the integrity of the reading frame. The frequency data for this variant in the population databases is considered unreliable, as metrics indicate poor data quality at this position in the gnomAD database. This variant has not been reported in the literature in individuals affected with AUTS2-related conditions. Experimental studies and prediction algorithms are not available or were not evaluated, and the functional significance of this variant is currently unknown. In summary, the available evidence is currently insufficient to determine the role of this variant in disease. Therefore, it has been classified as a Variant of Uncertain Significance.

NM_015570.4(AUTS2):c.3374_3376dup (p.Ser1125_His1126insArg)

Gene: AUTS2 (activator of transcription and developmental regulator AUTS2; plus strand). Cytogenetic location: 7q11.22.
Variant type: Duplication.
Coding change: c.3374_3376dup on transcript NM_015570.4 (MANE Select); coding-DNA positions 3374 to 3376, 3 bases duplicated (GCC; older notation c.3374_3376dupGCC).
Protein change: p.Ser1125_His1126insArg.
Molecular consequence: inframe insertion.
Genome position (GRCh38, 1-based): chr7:70,790,590-70,790,592, GCC duplicated. VCF-style (leftmost placement, unchanged base first): chr7-70790589-A-AGCC. GRCh37 (hg19) VCF-style: chr7-70255575-A-AGCC.
Other names: c.3302_3304dup, p.Ser1101_His1102insArg (NM_001127231.3).
Identifiers: ClinVar variation 2852912 (VCV002852912.3), dbSNP rs777720857, ClinGen allele CA4281314.